The following is an entry in ClinVar:

ClinVar aggregate classification (germline): Uncertain significance. Review status: criteria provided, multiple submitters, no conflicts (2 of 4 stars). 2 submissions from 2 submitters: Uncertain significance (2). Last evaluated 2022-09-07.

Allele frequency attached by ClinVar (database versions not stated): ExAC 0.00002; gnomAD exomes 0.00003 and 0.00004; TOPMed 0.00003; gnomAD 0.00004 and 0.00005.
gnomAD v4.1: 67 of 1,612,762 alleles (0.0042%); highest among the groups gnomAD compares: South Asian, 0.0055%; no homozygotes.

Submissions (2):

Labcorp Genetics (formerly Invitae), Labcorp
Classification: Uncertain significance. Last evaluated: 2022-09-07. Review status: criteria provided, single submitter. Criteria: Invitae Variant Classification Sherloc (09022015). Collection method: clinical testing. Allele origin: germline.
Comment: This sequence change replaces asparagine, which is neutral and polar, with serine, which is neutral and polar, at codon 873 of the LRP2 protein (p.Asn873Ser). This variant is present in population databases (rs587780383, gnomAD 0.005%). This variant has not been reported in the literature in individuals affected with LRP2-related conditions. ClinVar contains an entry for this variant (Variation ID: 129513). Advanced modeling of protein sequence and biophysical properties (such as structural, functional, and spatial information, amino acid conservation, physicochemical variation, residue mobility, and thermodynamic stability) performed at Invitae indicates that this missense variant is expected to disrupt LRP2 protein function. Algorithms developed to predict the effect of sequence changes on RNA splicing suggest that this variant may create or strengthen a splice site. In summary, the available evidence is currently insufficient to determine the role of this variant in disease. Therefore, it has been classified as a Variant of Uncertain Significance.

Genetic Services Laboratory, University of Chicago
Classification: Uncertain significance. Last evaluated: 2014-03-13. Review status: criteria provided, single submitter. Criteria: ACMG Guidelines, 2007. Collection method: clinical testing. Allele origin: germline. Inheritance: Autosomal recessive inheritance.

NM_004525.3(LRP2):c.2618A>G (p.Asn873Ser)

Gene: LRP2 (LDL receptor related protein 2; minus strand). Cytogenetic location: 2q31.1.
Variant type: single nucleotide variant.
Coding change: c.2618A>G on transcript NM_004525.3 (MANE Select); coding-DNA position 2618, A replaced by G.
Protein change: p.Asn873Ser; replaces asparagine 873 with serine.
Molecular consequence: missense variant.
Genome position (GRCh38, 1-based): chr2:169,257,145, T>C on the plus strand (A>G on the coding strand, the complement: LRP2 is on the minus strand). VCF-style: chr2-169257145-T-C. GRCh37 (hg19) VCF-style: chr2-170113655-T-C.
Other names: short protein forms N873S.
Identifiers: ClinVar variation 129513 (VCV000129513.10), dbSNP rs587780383, ClinGen allele CA231248.